The following is an entry in ClinVar:

ClinVar aggregate classification (germline): Pathogenic (1 of 4 stars; one submission).

Conditions:
Duchenne muscular dystrophy (DMD). Also called: MUSCULAR DYSTROPHY, PSEUDOHYPERTROPHIC PROGRESSIVE, DUCHENNE TYPE; Duchenne Muscular Dystrophy (DMD). Identifiers: Orphanet 98896, MedGen C0013264, MONDO:0010679, OMIM 310200.

Submission:

Labcorp Genetics (formerly Invitae), Labcorp
Classification: Pathogenic for Duchenne muscular dystrophy. Last evaluated: 2018-07-09. Review status: criteria provided, single submitter. Criteria: Invitae Variant Classification Sherloc (09022015). Collection method: clinical testing. Allele origin: germline.
Comment: This variant is an out-of-frame deletion of the genomic region encompassing exon 18 of the DMD gene. This is expected to create a premature translational stop signal and result in an absent or disrupted protein product. A similar deletion of exon 18 has been reported in several individuals affected with DMD-related dystrophinopathies (PMID: 1383546, 24928015, 22090376, 18663755). Loss-of-function variants in DMD are known to be pathogenic (PMID: 16770791, 25007885). For these reasons, this variant has been classified as Pathogenic.

Literature cited by the submitters: PubMed 1383546; PubMed 18663755; PubMed 22090376; PubMed 24928015.

NC_000023.11:g.(?_32517988)_(32518151_?)del

Gene: DMD (dystrophin; minus strand). Cytogenetic location: Xp21.1.
Variant type: Deletion.
Identifiers: ClinVar variation 651813 (VCV000651813.1).